The following is an entry in ClinVar:

ClinVar aggregate classification (germline): Likely pathogenic (1 of 4 stars; one submission).

Conditions:
Inborn genetic diseases. Identifiers: MedGen C0950123, MeSH D030342.

Submission:

Ambry Genetics
Classification: Likely pathogenic for Inborn genetic diseases. Last evaluated: 2023-06-01. Review status: criteria provided, single submitter. Criteria: Ambry Variant Classification Scheme 2023. Collection method: clinical testing. Allele origin: germline.
Comment: The c.3209G>A (p.G1070D) alteration is located in exon 19 (coding exon 19) of the CHD3 gene. This alteration results from a G to A substitution at nucleotide position 3209, causing the glycine (G) at amino acid position 1070 to be replaced by an aspartic acid (D). This variant was not reported in population-based cohorts in the Genome Aggregation Database (gnomAD). This amino acid position is highly conserved in available vertebrate species. This missense alteration is located in a region that has a low rate of benign missense variation (Lek, 2016; Firth, 2009). The in silico prediction for this alteration is inconclusive. Based on the available evidence, this alteration is classified as likely pathogenic.

NM_001005273.3(CHD3):c.3032G>A (p.Gly1011Asp)

Gene: CHD3 (chromodomain helicase DNA binding protein 3; plus strand). Cytogenetic location: 17p13.1.
Variant type: single nucleotide variant.
Coding change: c.3032G>A on transcript NM_001005273.3 (MANE Select); coding-DNA position 3032, G replaced by A.
Protein change: p.Gly1011Asp; replaces glycine 1011 with aspartic acid.
Molecular consequence: missense variant.
Genome position (GRCh38, 1-based): chr17:7,900,905, G>A. VCF-style: chr17-7900905-G-A. GRCh37 (hg19) VCF-style: chr17-7804223-G-A.
Other names: c.3209G>A, p.Gly1070Asp (NM_001005271.3); c.3032G>A, p.Gly1011Asp (NM_005852.4); short protein forms G1011D, G1070D.
Identifiers: ClinVar variation 2537079 (VCV002537079.2), dbSNP rs2544958440, ClinGen allele CA397940922.